The following is an entry in ClinVar:

NM_000814.6(GABRB3):c.374del (p.Asn125fs)

Gene: GABRB3 (gamma-aminobutyric acid type A receptor subunit beta3; minus strand). Cytogenetic location: 15q12.
Variant type: Deletion.
Coding change: c.374del on transcript NM_000814.6 (MANE Select); coding-DNA position 374, one base deleted (A; older notation c.374delA).
Protein change: p.Asn125fs; shifts the reading frame from asparagine 125.
Molecular consequence: frameshift variant. On other transcripts: non-coding transcript variant (1).
Genome position (GRCh38, 1-based): chr15:26,621,401, T deleted on the plus strand (A on the coding strand, the reverse complement: GABRB3 is on the minus strand); the first of 3 consecutive T bases (chr15:26,621,401-26,621,403); deleting any one gives the same sequence. VCF-style (leftmost placement, unchanged base first): chr15-26621400-AT-A. GRCh37 (hg19) VCF-style: chr15-26866547-AT-A.
Other names: c.119del, p.Asn40fs (NM_001278631.2, NM_001191320.2); c.374del, p.Asn125fs (NM_021912.5); c.161del, p.Asn54fs (NM_001191321.3); short protein forms N125fs, N40fs, N54fs.
Identifiers: ClinVar variation 1452714 (VCV001452714.6), dbSNP rs2140536988, ClinGen allele CA2573150550.

ClinVar aggregate classification (germline): Pathogenic (1 of 4 stars; one submission).

Conditions:
Epilepsy, childhood absence, susceptibility to, 1. Also called: Epilepsy, childhood absence 1. Identifiers: Orphanet 64280, MedGen C1838604, MONDO:0020759, OMIM 600131.
Epilepsy, childhood absence, susceptibility to, 5. Identifiers: Orphanet 64280, MedGen C2677087, MONDO:0012843, OMIM 612269.

Submission:

Labcorp Genetics (formerly Invitae), Labcorp
Classification: Pathogenic for Epilepsy, childhood absence, susceptibility to, 5; Epilepsy, childhood absence, susceptibility to, 1. Last evaluated: 2024-03-04. Review status: criteria provided, single submitter. Criteria: Invitae Variant Classification Sherloc (09022015). Collection method: clinical testing. Allele origin: germline.
Comment: This sequence change creates a premature translational stop signal (p.Asn125Metfs*10) in the GABRB3 gene. It is expected to result in an absent or disrupted protein product. Loss-of-function variants in GABRB3 are known to be pathogenic (PMID: 26950270, 28053010). This variant is not present in population databases (gnomAD no frequency). This variant has not been reported in the literature in individuals affected with GABRB3-related conditions. ClinVar contains an entry for this variant (Variation ID: 1452714). Algorithms developed to predict the effect of sequence changes on RNA splicing suggest that this variant may disrupt the consensus splice site. For these reasons, this variant has been classified as Pathogenic.

Literature cited by the submitters: PubMed 26950270; PubMed 28053010.